The following is an entry in ClinVar:

ClinVar aggregate classification (germline): Uncertain significance (1 of 4 stars; one submission).

Allele frequency attached by ClinVar (database versions not stated): gnomAD exomes 0.00001 and 0.00003; ExAC 0.00003; gnomAD 0.00011; TOPMed 0.00011.

Submission:

Labcorp Genetics (formerly Invitae), Labcorp
Classification: Uncertain significance. Last evaluated: 2025-12-18. Review status: criteria provided, single submitter. Criteria: Invitae Variant Classification Sherloc (09022015). Collection method: clinical testing. Allele origin: germline.
Comment: This sequence change replaces valine, which is neutral and non-polar, with isoleucine, which is neutral and non-polar, at codon 372 of the CFB protein (p.Val372Ile). This variant is present in population databases (rs759028008, gnomAD 0.02%). This variant has not been reported in the literature in individuals affected with CFB-related conditions. ClinVar contains an entry for this variant (Variation ID: 1508081). Invitae Evidence Modeling of protein sequence and biophysical properties (such as structural, functional, and spatial information, amino acid conservation, physicochemical variation, residue mobility, and thermodynamic stability) indicates that this missense variant is not expected to disrupt CFB protein function with a negative predictive value of 80%. In summary, the available evidence is currently insufficient to determine the role of this variant in disease. Therefore, it has been classified as a Variant of Uncertain Significance.

NM_001710.6(CFB):c.1114G>A (p.Val372Ile)

Gene: CFB (complement factor B; plus strand). Cytogenetic location: 6p21.33.
Variant type: single nucleotide variant.
Coding change: c.1114G>A on transcript NM_001710.6 (MANE Select); coding-DNA position 1114, G replaced by A.
Protein change: p.Val372Ile; replaces valine 372 with isoleucine.
Molecular consequence: missense variant.
Genome position (GRCh38, 1-based): chr6:31,948,907, G>A. VCF-style: chr6-31948907-G-A. GRCh37 (hg19) VCF-style: chr6-31916684-G-A.
Other names: short protein forms V372I.
Identifiers: ClinVar variation 1508081 (VCV001508081.8), dbSNP rs759028008, ClinGen allele CA3728234.
Genomic context (GRCh38, chr6:31,948,907, plus strand): 5'-GGGACTAACACCAAGAAGGCCCTCCAGGCAGTGTACAGCATGATGAGCTGGCCAGATGAC[G>A]TCCCTCCTGAAGGCTGGAACCGCACCCGCCATGTCATCATCCTCATGACTGATGGTCAGA-3'
Protein context (NP_001701.2, residues 362-382): VYSMMSWPDD[Val372Ile]PPEGWNRTRH